The following is an entry in ClinVar:

ClinVar aggregate classification (germline): Uncertain significance. Review status: criteria provided, multiple submitters, no conflicts (2 of 4 stars). 3 submissions from 3 submitters: Uncertain significance (3). Last evaluated 2026-05-18.

Conditions:
SAMD9-related disorder. Also called: SAMD9-related condition.

Allele frequency attached by ClinVar (database versions not stated): gnomAD 0.00001; TOPMed 0.00001; gnomAD exomes 0.00002 and 0.00004; ExAC 0.00003; ESP Exome Variant Server 0.00008.

Submissions (3):

PreventionGenetics, part of Exact Sciences
Classification: Uncertain significance for SAMD9-related condition. Last evaluated: 2026-05-18. Review status: criteria provided, single submitter. Criteria: ACMG Guidelines, 2015. Collection method: clinical testing. Allele origin: germline.
Comment: The SAMD9 c.2705G>A variant is predicted to result in the amino acid substitution p.Arg902Gln. This variant has been reported in an individual with myelodysplastic syndrome (Table S4 in Nagata et al. 2018. PubMed ID: 30322869) and in an individual from a pseudoxanthoma elasticum cohort (Patient 246 in Table S1 in Saeidian et al. 2021. PubMed ID: 34906475). The patient reported in Saeidian et al. also had compound heterozygous variants in ABCC6. This variant is reported in 0.0065% of alleles in individuals of South Asian descent in gnomAD and has been interpreted as uncertain in ClinVar (Variation ID: 1410216). Of note, another variant impacting the same amino acid (p.Arg902Trp) has also been reported in a patient with myelodysplastic syndrome (Table S6 in Sahoo et al. 2021. PubMed ID: 34621053).  At this time, the clinical significance of the c.2705G>A (p.Arg902Gln) variant is uncertain due to the absence of conclusive functional and genetic evidence.

Labcorp Genetics (formerly Invitae), Labcorp
Classification: Uncertain significance. Last evaluated: 2025-02-10. Review status: criteria provided, single submitter. Criteria: Invitae Variant Classification Sherloc (09022015). Collection method: clinical testing. Allele origin: germline.
Comment: This sequence change replaces arginine, which is basic and polar, with glutamine, which is neutral and polar, at codon 902 of the SAMD9 protein (p.Arg902Gln). This variant is present in population databases (rs139336044, gnomAD 0.006%). This missense change has been observed in individual(s) with myelodysplastic syndrome (PMID: 30322869, 34906475). ClinVar contains an entry for this variant (Variation ID: 1410216). Invitae Evidence Modeling of protein sequence and biophysical properties (such as structural, functional, and spatial information, amino acid conservation, physicochemical variation, residue mobility, and thermodynamic stability) indicates that this missense variant is not expected to disrupt SAMD9 protein function with a negative predictive value of 95%. In summary, the available evidence is currently insufficient to determine the role of this variant in disease. Therefore, it has been classified as a Variant of Uncertain Significance.

GeneDx
Classification: Uncertain significance. Last evaluated: 2023-01-24. Review status: criteria provided, single submitter. Criteria: GeneDx Variant Classification Process June 2021. Collection method: clinical testing. Allele origin: germline. Affected: yes.
Comment: In silico analysis supports that this missense variant does not alter protein structure/function; Observed in the germline of an individual with myelodysplastic syndrome and another individual with ectopic mineralization (Nagata et al., 2018; Saeidian et al., 2022); This variant is associated with the following publications: (PMID: 28545555, 34906475, 30322869)

Literature cited by the submitters: PubMed 30322869 (cited by Labcorp Genetics (formerly Invitae), Labcorp); PubMed 34906475 (cited by Labcorp Genetics (formerly Invitae), Labcorp).

NM_017654.4(SAMD9):c.2705G>A (p.Arg902Gln)

Gene: SAMD9 (sterile alpha motif domain containing 9; minus strand). Cytogenetic location: 7q21.2.
Variant type: single nucleotide variant.
Coding change: c.2705G>A on transcript NM_017654.4 (MANE Select); coding-DNA position 2705, G replaced by A.
Protein change: p.Arg902Gln; replaces arginine 902 with glutamine.
Molecular consequence: missense variant.
Genome position (GRCh38, 1-based): chr7:93,103,393, C>T on the plus strand (G>A on the coding strand, the complement: SAMD9 is on the minus strand). VCF-style: chr7-93103393-C-T. GRCh37 (hg19) VCF-style: chr7-92732706-C-T.
Other names: c.2705G>A (NM_017654.3); c.2705G>A, p.Arg902Gln (NM_001193307.2); short protein forms R902Q.
Identifiers: ClinVar variation 1410216 (VCV001410216.9), dbSNP rs139336044, ClinGen allele CA4342794.
Genomic context (GRCh38, chr7:93,103,393, plus strand): 5'-GCCAGAAAAGAAAAGAGCTTTGCTTCCTTGGTGAAAATATTCTGCCCTTTCAGGATATTC[C>T]GGACCACATTTTCTATGTATTCTTTATTAAAATTGGTTTTCATGATCATAAAGGAATAAA-3'
Protein context (NP_060124.2, residues 892-912): FNKEYIENVV[Arg902Gln]NILKGQNIFT